The following is an entry in ClinVar:

ClinVar aggregate classification (germline): Uncertain significance (1 of 4 stars; one submission).

Allele frequency attached by ClinVar (database versions not stated): gnomAD exomes below 0.00001; gnomAD 0.00001.
gnomAD v4.1: 12 of 1,571,326 alleles (0.00076%); highest among the groups gnomAD compares: East Asian, 0.011%; no homozygotes.

Submission:

Labcorp Genetics (formerly Invitae), Labcorp
Classification: Uncertain significance. Last evaluated: 2022-08-20. Review status: criteria provided, single submitter. Criteria: Invitae Variant Classification Sherloc (09022015). Collection method: clinical testing. Allele origin: germline.
Comment: In summary, the available evidence is currently insufficient to determine the role of this variant in disease. Therefore, it has been classified as a Variant of Uncertain Significance. Algorithms developed to predict the effect of sequence changes on RNA splicing suggest that this variant may disrupt the consensus splice site. This variant has not been reported in the literature in individuals affected with RERE-related conditions. This variant is not present in population databases (gnomAD no frequency). This sequence change affects codon 1496 of the RERE mRNA. It is a 'silent' change, meaning that it does not change the encoded amino acid sequence of the RERE protein.

NM_001042681.2(RERE):c.4488C>T (p.Gly1496=)

Gene: RERE (arginine-glutamic acid dipeptide repeats; minus strand). Cytogenetic location: 1p36.23.
Variant type: single nucleotide variant.
Coding change: c.4488C>T on transcript NM_001042681.2 (MANE Select); coding-DNA position 4488, C replaced by T.
Protein change: p.Gly1496=; no amino-acid change (glycine 1496 retained).
Molecular consequence: synonymous variant.
Genome position (GRCh38, 1-based): chr1:8,355,598, G>A on the plus strand (C>T on the coding strand, the complement: RERE is on the minus strand). VCF-style: chr1-8355598-G-A. GRCh37 (hg19) VCF-style: chr1-8415658-G-A.
Other names: c.2826C>T, p.Gly942= (NM_001042682.2); c.4488C>T, p.Gly1496= (NM_012102.4).
Identifiers: ClinVar variation 2052032 (VCV002052032.4), dbSNP rs1641257947, ClinGen allele CA415842124.